The following is an entry in ClinVar:

ClinVar aggregate classification (germline): Uncertain significance. Review status: criteria provided, multiple submitters, no conflicts (2 of 4 stars). 2 submissions from 2 submitters: Uncertain significance (2). Last evaluated 2025-09-22.

Conditions:
Hereditary cancer-predisposing syndrome. Also called: Neoplastic Syndromes, Hereditary; Hereditary Cancer Syndrome; Hereditary neoplastic syndrome; Tumor predisposition. Identifiers: Orphanet 140162, MedGen C0027672, MeSH D009386, MONDO:0015356.
Familial adenomatous polyposis 1 (FAP1). Also called: FAMILIAL ADENOMATOUS POLYPOSIS 1, ATTENUATED; POLYPOSIS, ADENOMATOUS INTESTINAL. Identifiers: MedGen C2713442, MONDO:0021056, OMIM 175100. Disease mechanism: loss of function.

gnomAD v4.1: 2 of 1,609,000 alleles (0.00012%); highest among the groups gnomAD compares: South Asian, 0.0022%; no homozygotes.

Submissions (2):

Ambry Genetics
Classification: Uncertain significance for Hereditary cancer-predisposing syndrome. Last evaluated: 2025-09-22. Review status: criteria provided, single submitter. Criteria: Ambry Variant Classification Scheme 2023. Collection method: clinical testing. Allele origin: germline.
Comment: The p.V579I variant (also known as c.1735G>A), located in coding exon 13 of the APC gene, results from a G to A substitution at nucleotide position 1735. The valine at codon 579 is replaced by isoleucine, an amino acid with highly similar properties. This amino acid position is conserved. In addition, in silico predictors for this gene do not accurately predict pathogenicity. Based on the available evidence, the clinical significance of this variant remains unclear.

Labcorp Genetics (formerly Invitae), Labcorp
Classification: Uncertain significance for Familial adenomatous polyposis 1. Last evaluated: 2023-01-13. Review status: criteria provided, single submitter. Criteria: Invitae Variant Classification Sherloc (09022015). Collection method: clinical testing. Allele origin: germline.
Comment: This variant has not been reported in the literature in individuals affected with APC-related conditions. This variant is not present in population databases (gnomAD no frequency). This sequence change replaces valine, which is neutral and non-polar, with isoleucine, which is neutral and non-polar, at codon 579 of the APC protein (p.Val579Ile). ClinVar contains an entry for this variant (Variation ID: 1437658). In summary, the available evidence is currently insufficient to determine the role of this variant in disease. Therefore, it has been classified as a Variant of Uncertain Significance. Advanced modeling of protein sequence and biophysical properties (such as structural, functional, and spatial information, amino acid conservation, physicochemical variation, residue mobility, and thermodynamic stability) performed at Invitae indicates that this missense variant is not expected to disrupt APC protein function.

NM_000038.6(APC):c.1735G>A (p.Val579Ile)

Gene: APC (APC regulator of Wnt signaling pathway; plus strand). Cytogenetic location: 5q22.2.
Variant type: single nucleotide variant.
Coding change: c.1735G>A on transcript NM_000038.6 (MANE Select); coding-DNA position 1735, G replaced by A.
Protein change: p.Val579Ile; replaces valine 579 with isoleucine.
Molecular consequence: missense variant.
Genome position (GRCh38, 1-based): chr5:112,828,964, G>A. VCF-style: chr5-112828964-G-A. GRCh37 (hg19) VCF-style: chr5-112164661-G-A.
Other names: c.1735G>A, p.Val579Ile (NM_001127510.3, NM_001354895.2); c.1681G>A, p.Val561Ile (NM_001127511.3); c.1789G>A, p.Val597Ile (NM_001354896.2); c.1765G>A, p.Val589Ile (NM_001354897.2); c.1660G>A, p.Val554Ile (NM_001354898.2); c.1651G>A, p.Val551Ile (NM_001354899.2); c.1612G>A, p.Val538Ile (NM_001354900.2); c.1558G>A, p.Val520Ile (NM_001354901.2); and 6 more; short protein forms V554I, V579I, V538I, V551I, V589I, V419I, V478I, V520I.
Identifiers: ClinVar variation 1437658 (VCV001437658.9), dbSNP rs2149818472, ClinGen allele CA16025104.